The following is an entry in ClinVar:

ClinVar aggregate classification (germline): Uncertain significance. Review status: criteria provided, multiple submitters, no conflicts (2 of 4 stars). 2 submissions from 2 submitters: Uncertain significance (2). Last evaluated 2023-08-09.

Allele frequency attached by ClinVar (database versions not stated): gnomAD exomes below 0.00001.
gnomAD v4.1: 2 of 1,210,184 alleles (0.00017%); highest among the groups gnomAD compares: Non-Finnish European, 0.00022%; no homozygotes.

Submissions (3):

Clinical Genetics Laboratory, Skane University Hospital Lund
Classification: Uncertain significance. Last evaluated: 2023-08-09. Review status: criteria provided, single submitter. Criteria: ACMG Guidelines, 2015. Collection method: clinical testing. Allele origin: germline. Affected: yes.

Labcorp Genetics (formerly Invitae), Labcorp
Classification: Uncertain significance. Last evaluated: 2020-03-20. Review status: criteria provided, single submitter. Criteria: Invitae Variant Classification Sherloc (09022015). Collection method: clinical testing. Allele origin: germline.
Comment: Algorithms developed to predict the effect of sequence changes on RNA splicing suggest that this variant may create or strengthen a splice site, but this prediction has not been confirmed by published transcriptional studies. In summary, the available evidence is currently insufficient to determine the role of this variant in disease. Therefore, it has been classified as a Variant of Uncertain Significance. Algorithms developed to predict the effect of missense changes on protein structure and function are either unavailable or do not agree on the potential impact of this missense change (SIFT: "Tolerated"; PolyPhen-2: "Probably Damaging"; Align-GVGD: "Class C0"). This variant has not been reported in the literature in individuals with AFF2-related conditions. This variant is not present in population databases (ExAC no frequency). This sequence change replaces leucine with valine at codon 429 of the AFF2 protein (p.Leu429Val). The leucine residue is highly conserved and there is a small physicochemical difference between leucine and valine.

Dr. Peter K. Rogan Lab, Western University
No classification provided (evidence only). Condition: Thyroid cancer, nonmedullary, 1. Review status: no classification provided. Collection method: in vitro. Allele origin: not applicable. Functional consequence: retained intron. Not counted in ClinVar's aggregate classification.

NM_002025.4(AFF2):c.1285C>G (p.Leu429Val)

Gene: AFF2 (ALF transcription elongation factor 2; plus strand). Cytogenetic location: Xq28.
Variant type: single nucleotide variant.
Coding change: c.1285C>G on transcript NM_002025.4 (MANE Select); coding-DNA position 1285, C replaced by G.
Protein change: p.Leu429Val; replaces leucine 429 with valine.
Molecular consequence: missense variant.
Genome position (GRCh38, 1-based): chrX:148,885,911, C>G. VCF-style: chrX-148885911-C-G. GRCh37 (hg19) VCF-style: chrX-147967441-C-G.
Other names: c.1186C>G, p.Leu396Val (NM_001169122.2); c.1255C>G, p.Leu419Val (NM_001169123.2); c.1180C>G, p.Leu394Val (NM_001169124.2); c.1168C>G, p.Leu390Val (NM_001169125.2); c.208C>G, p.Leu70Val (NM_001170628.1); short protein forms L390V, L394V, L396V, L419V, L429V, L70V.
Identifiers: ClinVar variation 1061653 (VCV001061653.11), dbSNP rs782618037, ClinGen allele CA414511375.